The following is an entry in ClinVar:

ClinVar aggregate classification (germline): Conflicting classifications of pathogenicity. Review status: criteria provided, conflicting classifications (1 of 4 stars). 4 submissions from 4 submitters: Uncertain significance (2); Likely benign (2). Last evaluated 2026-08-21.

Conditions:
Familial thoracic aortic aneurysm and aortic dissection (TAAD). Also called: Thoracic aortic aneurysms and dissections. Identifiers: Orphanet 91387, MedGen C4707243, MONDO:0019625.
Aortic aneurysm, familial thoracic 7 (AAT7). Also called: AORTIC DISSECTION, FAMILIAL, WITH OR WITHOUT AORTIC ANEURYSM. Identifiers: MedGen C3151077, MONDO:0013418, OMIM 613780.

Allele frequency attached by ClinVar (database versions not stated): TOPMed 0.00003; gnomAD 0.00004 and 0.00005; gnomAD exomes 0.00007; ExAC 0.00011.
gnomAD v4.1: 86 of 1,611,534 alleles (0.0053%); highest among the groups gnomAD compares: African/African-American, 0.0067%; no homozygotes.

Submissions (4):

GeneDx
Classification: Uncertain significance. Last evaluated: 2026-08-21. Review status: criteria provided, single submitter. Criteria: GeneDx Variant Classification Process June 2021. Collection method: clinical testing. Allele origin: germline.
Comment: In silico analysis supports that this missense variant has a deleterious effect on protein structure/function; Reported in a sample from an infant with sudden unexpected infant death (PMID: 38895864); This variant is associated with the following publications: (PMID: 38895864)

Labcorp Genetics (formerly Invitae), Labcorp
Classification: Likely benign for Aortic aneurysm, familial thoracic 7. Last evaluated: 2024-10-29. Review status: criteria provided, single submitter. Criteria: Invitae Variant Classification Sherloc (09022015). Collection method: clinical testing. Allele origin: germline.

Ambry Genetics
Classification: Uncertain significance for Familial thoracic aortic aneurysm and aortic dissection. Last evaluated: 2023-10-17. Review status: criteria provided, single submitter. Criteria: Ambry Variant Classification Scheme 2023. Collection method: clinical testing. Allele origin: germline.
Comment: The p.P190L variant (also known as c.569C>T), located in coding exon 4 of the MYLK gene, results from a C to T substitution at nucleotide position 569. The proline at codon 190 is replaced by leucine, an amino acid with similar properties, and is located in an Ig-like domain. This amino acid position is highly conserved in available vertebrate species. In addition, the in silico prediction for this alteration is inconclusive. Since supporting evidence is limited at this time, the clinical significance of this alteration remains unclear.

Blueprint Genetics
Classification: Likely benign. Last evaluated: 2023-10-13. Review status: criteria provided, single submitter. Criteria: ACMG Guidelines, 2015. Collection method: clinical testing. Allele origin: germline.

NM_053025.4(MYLK):c.569C>T (p.Pro190Leu)

Gene: MYLK (myosin light chain kinase; minus strand). Cytogenetic location: 3q21.1.
Variant type: single nucleotide variant.
Coding change: c.569C>T on transcript NM_053025.4 (MANE Select); coding-DNA position 569, C replaced by T.
Protein change: p.Pro190Leu; replaces proline 190 with leucine.
Molecular consequence: missense variant.
Genome position (GRCh38, 1-based): chr3:123,738,916, G>A on the plus strand (C>T on the coding strand, the complement: MYLK is on the minus strand). VCF-style: chr3-123738916-G-A. GRCh37 (hg19) VCF-style: chr3-123457763-G-A.
Other names: c.41C>T, p.Pro14Leu (NM_001321309.2); c.569C>T, p.Pro190Leu (NM_053026.4, NM_053027.4, NM_053028.4); short protein forms P190L, P14L.
Identifiers: ClinVar variation 520017 (VCV000520017.17), dbSNP rs199736263, ClinGen allele CA073251.